The following is an entry in ClinVar:

ClinVar aggregate classification (germline): Pathogenic (1 of 4 stars; one submission).

Submission:

Labcorp Genetics (formerly Invitae), Labcorp
Classification: Pathogenic. Last evaluated: 2024-12-12. Review status: criteria provided, single submitter. Criteria: Invitae Variant Classification Sherloc (09022015). Collection method: clinical testing. Allele origin: germline.
Comment: This sequence change creates a premature translational stop signal (p.Ser280Leufs*13) in the TET2 gene. It is expected to result in an absent or disrupted protein product. Loss-of-function variants in TET2 are known to be pathogenic (PMID: 36066697). This variant is not present in population databases (gnomAD no frequency). This variant has not been reported in the literature in individuals affected with TET2-related conditions. For these reasons, this variant has been classified as Pathogenic.

Literature cited by the submitters: PubMed 36066697.

NM_001127208.3(TET2):c.837del (p.Ser280fs)

Genes: TET2 (tet methylcytosine dioxygenase 2; plus strand), TET2-AS1 (TET2 antisense RNA 1; minus strand). Cytogenetic location: 4q24.
Variant type: Deletion.
Coding change: c.837del on transcript NM_001127208.3 (MANE Select); coding-DNA position 837, one base deleted (C; older notation c.837delC).
Protein change: p.Ser280fs; shifts the reading frame from serine 280.
Molecular consequence: frameshift variant.
Genome position (GRCh38, 1-based): chr4:105,234,779, C deleted; the last of 2 consecutive C bases (chr4:105,234,778-105,234,779); deleting either gives the same sequence. VCF-style (leftmost placement, unchanged base first): chr4-105234777-AC-A. GRCh37 (hg19) VCF-style: chr4-106155934-AC-A.
Other names: c.837del, p.Ser280fs (NM_017628.4); short protein forms S280fs.
Identifiers: ClinVar variation 3727212 (VCV003727212.2).